The following is an entry in ClinVar:

NM_004924.6(ACTN4):c.1174C>G (p.Gln392Glu)

Gene: ACTN4 (actinin alpha 4; plus strand). Cytogenetic location: 19q13.2.
Variant type: single nucleotide variant.
Coding change: c.1174C>G on transcript NM_004924.6 (MANE Select); coding-DNA position 1174, C replaced by G.
Protein change: p.Gln392Glu; replaces glutamine 392 with glutamic acid.
Molecular consequence: missense variant.
Genome position (GRCh38, 1-based): chr19:38,717,957, C>G. VCF-style: chr19-38717957-C-G. GRCh37 (hg19) VCF-style: chr19-39208597-C-G.
Other names: c.1174C>G, p.Gln392Glu (NM_001322033.2); short protein forms Q392E.
Identifiers: ClinVar variation 1123904 (VCV001123904.12), dbSNP rs143174736, ClinGen allele CA9417548.

ClinVar aggregate classification (germline): Conflicting classifications of pathogenicity. Review status: criteria provided, conflicting classifications (1 of 4 stars). 3 submissions from 3 submitters: Uncertain significance (1); Likely benign (2). Last evaluated 2026-06-01.

Conditions:
Focal segmental glomerulosclerosis (FSGS). Also called: Glomerulosclerosis, focal; Focal sclerosis with hyalinosis. Identifiers: MedGen C0017668, MONDO:0100313, HP:0000097. Disease mechanism: loss of function.

Allele frequency attached by ClinVar (database versions not stated): ESP Exome Variant Server 0.00038; gnomAD 0.00056 and 0.00074; gnomAD exomes 0.00069; TOPMed 0.00077; ExAC 0.00119.
gnomAD v4.1: 1,343 of 1,606,476 alleles (0.084%); highest among the groups gnomAD compares: Non-Finnish European, 0.1%; no homozygotes.

Submissions (3):

CeGaT Center for Human Genetics Tuebingen
Classification: Likely benign. Last evaluated: 2026-06-01. Review status: criteria provided, single submitter. Criteria: CeGaT Center For Human Genetics Tuebingen Variant Classification Criteria Version 2. Collection method: clinical testing. Allele origin: germline. Affected: yes. Observed: 1 variant allele.
Comment: ACTN4: BS1

Labcorp Genetics (formerly Invitae), Labcorp
Classification: Likely benign. Last evaluated: 2026-01-05. Review status: criteria provided, single submitter. Criteria: Invitae Variant Classification Sherloc (09022015). Collection method: clinical testing. Allele origin: germline.

UNC Molecular Genetics  Laboratory, University of North Carolina at Chapel Hill
Classification: Uncertain significance for Focal segmental glomerulosclerosis. Last evaluated: 2021-03-17. Review status: criteria provided, single submitter. Criteria: ACMG Guidelines, 2015. Collection method: clinical testing. Allele origin: germline. Affected: yes. Observed: 1 heterozygote.